The following is an entry in ClinVar:

ClinVar aggregate classification (germline): Uncertain significance (1 of 4 stars; one submission).

Conditions:
CACNA1H-related disorder.

Submission:

PreventionGenetics, part of Exact Sciences
Classification: Uncertain significance for CACNA1H-related condition. Last evaluated: 2022-09-13. Review status: criteria provided, single submitter. Criteria: ACMG Guidelines, 2015. Collection method: clinical testing. Allele origin: germline.
Comment: The CACNA1H c.2569T>C variant is predicted to result in the amino acid substitution p.Tyr857His. To our knowledge, this variant has not been reported in the literature or in a large population database, indicating this variant is rare. At this time, the clinical significance of this variant is uncertain due to the absence of conclusive functional and genetic evidence.

NM_021098.3(CACNA1H):c.2569T>C (p.Tyr857His)

Gene: CACNA1H (calcium voltage-gated channel subunit alpha1 H; plus strand). Cytogenetic location: 16p13.3.
Variant type: single nucleotide variant.
Coding change: c.2569T>C on transcript NM_021098.3 (MANE Select); coding-DNA position 2569, T replaced by C.
Protein change: p.Tyr857His; replaces tyrosine 857 with histidine.
Molecular consequence: missense variant.
Genome position (GRCh38, 1-based): chr16:1,205,231, T>C. VCF-style: chr16-1205231-T-C. GRCh37 (hg19) VCF-style: chr16-1255231-T-C.
Other names: c.2569T>C, p.Tyr857His (NM_001005407.2); short protein forms Y857H.
Identifiers: ClinVar variation 2637353 (VCV002637353.1), dbSNP rs2548666770, ClinGen allele CA394167597.
Genomic context (GRCh38, chr16:1,205,231, plus strand): 5'-GCCCTGGAGATGCTGCTGAAGCTGCTGGCCTGCGGCCCTCTGGGCTACATCCGGAACCCG[T>C]ACAACATCTTCGACGGCATCATCGTGGTCATCAGGTGGGTCCCCACCCTCTCCCCAGGAA-3'
Protein context (NP_066921.2, residues 847-867): CGPLGYIRNP[Tyr857His]NIFDGIIVVI